The following is an entry in ClinVar:

ClinVar aggregate classification (germline): Uncertain significance (1 of 4 stars; one submission).

Conditions:
Familial thoracic aortic aneurysm and aortic dissection (TAAD). Also called: Thoracic aortic aneurysms and dissections. Identifiers: Orphanet 91387, MedGen C4707243, MONDO:0019625.

Submission:

Color Diagnostics, LLC DBA Color Health
Classification: Uncertain significance for Familial thoracic aortic aneurysm and aortic dissection. Last evaluated: 2024-03-06. Review status: criteria provided, single submitter. Criteria: ACMG Guidelines, 2015. Collection method: clinical testing. Allele origin: germline.
Comment: This missense variant replaces glutamine with proline at codon 1577 of the MYH11 protein. Computational prediction suggests that this variant may have deleterious impact on protein structure and function (internally defined REVEL score threshold >= 0.7, PMID: 27666373). Splice site prediction tools suggest that this variant may not impact RNA splicing. To our knowledge, functional studies have not been reported for this variant. This variant has not been reported in individuals affected with cardiovascular disorders in the literature. This variant has not been identified in the general population by the Genome Aggregation Database (gnomAD). The available evidence is insufficient to determine the role of this variant in disease conclusively. Therefore, this variant is classified as a Variant of Uncertain Significance.

NM_002474.3(MYH11):c.4709A>C (p.Gln1570Pro)

Genes: MYH11 (myosin heavy chain 11; minus strand), NDE1 (nudE neurodevelopment protein 1; plus strand). Cytogenetic location: 16p13.11.
Variant type: single nucleotide variant.
Coding change: c.4709A>C on transcript NM_002474.3 (MANE Select); coding-DNA position 4709, A replaced by C.
Protein change: p.Gln1570Pro; replaces glutamine 1570 with proline.
Molecular consequence: missense variant. On other transcripts: intron variant (2).
Genome position (GRCh38, 1-based): chr16:15,720,921, T>G on the plus strand (A>C on the coding strand, the complement: MYH11 is on the minus strand). VCF-style: chr16-15720921-T-G. GRCh37 (hg19) VCF-style: chr16-15814778-T-G.
Other names: c.4730A>C, p.Gln1577Pro (NM_001040113.2, NM_001040114.2); c.4709A>C, p.Gln1570Pro (NM_022844.3); c.948-3270T>G (NM_001143979.2, NM_017668.3); short protein forms Q1577P, Q1570P.
Identifiers: ClinVar variation 919821 (VCV000919821.4), dbSNP rs2040437510, ClinGen allele CA394853839.